The following is an entry in ClinVar:

NM_020919.4(ALS2):c.1553A>G (p.Asp518Gly)

Gene: ALS2 (alsin Rho guanine nucleotide exchange factor ALS2; minus strand). Cytogenetic location: 2q33.1.
Variant type: single nucleotide variant.
Coding change: c.1553A>G on transcript NM_020919.4 (MANE Select); coding-DNA position 1553, A replaced by G.
Protein change: p.Asp518Gly; replaces aspartic acid 518 with glycine.
Molecular consequence: missense variant.
Genome position (GRCh38, 1-based): chr2:201,754,590, T>C on the plus strand (A>G on the coding strand, the complement: ALS2 is on the minus strand). VCF-style: chr2-201754590-T-C. GRCh37 (hg19) VCF-style: chr2-202619313-T-C.
Other names: short protein forms D518G.
Identifiers: ClinVar variation 1520967 (VCV001520967.8), dbSNP rs1380894802, ClinGen allele CA350326274.

ClinVar aggregate classification (germline): Uncertain significance (1 of 4 stars; one submission).

Conditions:
Infantile-onset ascending hereditary spastic paralysis (IAHSP). Also called: Infantile-Onset Ascending Hereditary Spastic Paralysis (IAHSP); Autosomal Recessive Juvenile Amyotrophic Lateral Sclerosis. Identifiers: Orphanet 293168, MedGen C2931441, MONDO:0011797, OMIM 607225. Disease mechanism: loss of function.

Submission:

Labcorp Genetics (formerly Invitae), Labcorp
Classification: Uncertain significance for Infantile-onset ascending hereditary spastic paralysis. Last evaluated: 2022-06-27. Review status: criteria provided, single submitter. Criteria: Invitae Variant Classification Sherloc (09022015). Collection method: clinical testing. Allele origin: germline.
Comment: Algorithms developed to predict the effect of missense changes on protein structure and function (SIFT, PolyPhen-2, Align-GVGD) all suggest that this variant is likely to be tolerated. This variant has not been reported in the literature in individuals affected with ALS2-related conditions. This variant is not present in population databases (gnomAD no frequency). This sequence change replaces aspartic acid, which is acidic and polar, with glycine, which is neutral and non-polar, at codon 518 of the ALS2 protein (p.Asp518Gly). Algorithms developed to predict the effect of sequence changes on RNA splicing suggest that this variant may create or strengthen a splice site. In summary, the available evidence is currently insufficient to determine the role of this variant in disease. Therefore, it has been classified as a Variant of Uncertain Significance.